The following is an entry in ClinVar:

NM_178031.3(TMEM132A):c.1410C>T (p.Ala470=)

Gene: TMEM132A (transmembrane protein 132A; plus strand). Cytogenetic location: 11q12.2.
Variant type: single nucleotide variant.
Coding change: c.1410C>T on transcript NM_178031.3 (MANE Select); coding-DNA position 1410, C replaced by T.
Protein change: p.Ala470=; no amino-acid change (alanine 470 retained).
Molecular consequence: synonymous variant.
Genome position (GRCh38, 1-based): chr11:60,933,595, C>T. VCF-style: chr11-60933595-C-T. GRCh37 (hg19) VCF-style: chr11-60701067-C-T.
Other names: c.1413C>T, p.Ala471= (NM_017870.4).
Identifiers: ClinVar variation 2641817 (VCV002641817.24), dbSNP rs369347951, ClinGen allele CA6028857.
Genomic context (GRCh38, chr11:60,933,595, plus strand): 5'-TCCATAGGTGTCTGAGGCCTGTGATGCCGTGTTCGTGGCTGGCAAGGAGAGCCGGGGCGC[C>T]CGGGGGGTGCGAGTGGACTTCTGGTGGCGCCGGCTCCGCGCCTCGCTGCGGCTGACCGTG-3'
Protein context (NP_821174.1, residues 460-480): VFVAGKESRG[Ala470=]RGVRVDFWWR

ClinVar aggregate classification (germline): Likely benign (1 of 4 stars; one submission).

Allele frequency attached by ClinVar (database versions not stated): ESP Exome Variant Server 0.00008; ExAC 0.00015; gnomAD 0.00016; TOPMed 0.00019; gnomAD exomes 0.00036.
gnomAD v4.1: 538 of 1,607,276 alleles (0.033%); highest among the groups gnomAD compares: Non-Finnish European, 0.043%; no homozygotes.

Submission:

CeGaT Center for Human Genetics Tuebingen
Classification: Likely benign. Last evaluated: 2023-02-01. Review status: criteria provided, single submitter. Criteria: CeGaT Center For Human Genetics Tuebingen Variant Classification Criteria Version 2. Collection method: clinical testing. Allele origin: germline. Affected: yes. Observed: 1 variant allele.
Comment: TMEM132A: BP4, BP7